The following is an entry in ClinVar:

NM_002775.5(HTRA1):c.1195A>C (p.Lys399Gln)

Gene: HTRA1 (HtrA serine peptidase 1; plus strand). Cytogenetic location: 10q26.13.
Variant type: single nucleotide variant.
Coding change: c.1195A>C on transcript NM_002775.5 (MANE Select); coding-DNA position 1195, A replaced by C.
Protein change: p.Lys399Gln; replaces lysine 399 with glutamine.
Molecular consequence: missense variant.
Genome position (GRCh38, 1-based): chr10:122,511,986, A>C. VCF-style: chr10-122511986-A-C. GRCh37 (hg19) VCF-style: chr10-124271502-A-C.
Other names: short protein forms K399Q.
Identifiers: ClinVar variation 2500388 (VCV002500388.1), dbSNP rs1231449139, ClinGen allele CA378587991.

ClinVar aggregate classification (germline): Uncertain significance (1 of 4 stars; one submission).

Allele frequency attached by ClinVar (database versions not stated): gnomAD exomes 0.00001; gnomAD 0.00004; TOPMed 0.00005.
gnomAD v4.1: 10 of 1,613,846 alleles (0.00062%); highest among the groups gnomAD compares: African/African-American, 0.013%; no homozygotes.

Submission:

GeneDx
Classification: Uncertain significance. Last evaluated: 2022-11-01. Review status: criteria provided, single submitter. Criteria: GeneDx Variant Classification Process June 2021. Collection method: clinical testing. Allele origin: germline. Affected: yes.
Comment: In silico analysis supports that this missense variant has a deleterious effect on protein structure/function; Has not been previously published as pathogenic or benign to our knowledge